The following is an entry in ClinVar:

ClinVar aggregate classification (germline): Uncertain significance. Review status: criteria provided, multiple submitters, no conflicts (2 of 4 stars). 3 submissions from 3 submitters: Uncertain significance (3). Last evaluated 2024-09-29.

Conditions:
Cryopyrin associated periodic syndrome (CAPS). Identifiers: Orphanet 208650, MedGen C2316212, MONDO:0016168.
Chronic infantile neurological, cutaneous and articular syndrome (CINCA). Also called: Prieur Griscelli syndrome; CRYOPYRIN-ASSOCIATED PERIODIC SYNDROME 3; CINCA syndrome; CHRONIC NEUROLOGIC CUTANEOUS AND ARTICULAR SYNDROME. Identifiers: Orphanet 1451, MedGen C0409818, MONDO:0011776, OMIM 607115.
Keratitis fugax hereditaria. Also called: KERATOENDOTHELIITIS FUGAX HEREDITARIA. Identifiers: Orphanet 647815, MedGen C1835697, MONDO:0007849, OMIM 148200.
Hearing loss, autosomal dominant 34, with or without inflammation. Also called: DEAFNESS, AUTOSOMAL DOMINANT 34, WITH OR WITHOUT INFLAMMATION. Identifiers: MedGen C4521680, MONDO:0033261, OMIM 617772.
Familial cold autoinflammatory syndrome 1 (FCAS1). Also called: Familial cold inflammatory syndrome 1; CRYOPYRIN-ASSOCIATED PERIODIC SYNDROME 1. Identifiers: Orphanet 47045, MedGen C4551895, MONDO:0007349, OMIM 120100.
Familial amyloid nephropathy with urticaria AND deafness (MWS). Also called: MUCKLE-WELLS SYNDROME; CRYOPYRIN-ASSOCIATED PERIODIC SYNDROME 2; UDA SYNDROME; URTICARIA-DEAFNESS-AMYLOIDOSIS SYNDROME; Urticaria, deafness and amyloidosis. Identifiers: Orphanet 575, MedGen C0268390, MONDO:0008633, OMIM 191900.

Allele frequency attached by ClinVar (database versions not stated): TOPMed below 0.00001.

Submissions (3):

Labcorp Genetics (formerly Invitae), Labcorp
Classification: Uncertain significance for Cryopyrin associated periodic syndrome. Last evaluated: 2024-09-29. Review status: criteria provided, single submitter. Criteria: Invitae Variant Classification Sherloc (09022015). Collection method: clinical testing. Allele origin: germline.
Comment: This sequence change replaces serine, which is neutral and polar, with alanine, which is neutral and non-polar, at codon 387 of the NLRP3 protein (p.Ser387Ala). This variant is not present in population databases (gnomAD no frequency). This variant has not been reported in the literature in individuals affected with NLRP3-related conditions. ClinVar contains an entry for this variant (Variation ID: 836449). An algorithm developed to predict the effect of missense changes on protein structure and function outputs the following: PolyPhen-2: "Benign". The alanine amino acid residue is found in multiple mammalian species, which suggests that this missense change does not adversely affect protein function. In summary, the available evidence is currently insufficient to determine the role of this variant in disease. Therefore, it has been classified as a Variant of Uncertain Significance.

Institute for Clinical Genetics, University Hospital TU Dresden, University Hospital TU Dresden
Classification: Uncertain significance. Last evaluated: 2023-01-03. Review status: criteria provided, single submitter. Criteria: ACMG Guidelines, 2015. Collection method: clinical testing. Allele origin: germline.

Fulgent Genetics
Classification: Uncertain significance for Familial cold autoinflammatory syndrome 1; Keratitis fugax hereditaria; Familial amyloid nephropathy with urticaria AND deafness; Chronic infantile neurological, cutaneous and articular syndrome; Hearing loss, autosomal dominant 34, with or without inflammation. Last evaluated: 2022-03-24. Review status: criteria provided, single submitter. Criteria: ACMG Guidelines, 2015. Collection method: clinical testing. Allele origin: unknown.

NM_001243133.2(NLRP3):c.1153T>G (p.Ser385Ala)

Gene: NLRP3 (NLR family pyrin domain containing 3; plus strand). Cytogenetic location: 1q44.
Variant type: single nucleotide variant.
Coding change: c.1153T>G on transcript NM_001243133.2 (MANE Select); coding-DNA position 1153, T replaced by G.
Protein change: p.Ser385Ala; replaces serine 385 with alanine.
Molecular consequence: missense variant.
Genome position (GRCh38, 1-based): chr1:247,424,602, T>G. VCF-style: chr1-247424602-T-G. GRCh37 (hg19) VCF-style: chr1-247587904-T-G.
Other names: c.1153T>G, p.Ser385Ala (NM_001079821.3, NM_001127461.3, NM_001127462.3 and 1 more transcripts); c.1159T>G, p.Ser387Ala (NM_004895.5); short protein forms S385A, S387A.
Identifiers: ClinVar variation 836449 (VCV000836449.12), dbSNP rs199680838, ClinGen allele CA40691525.